The following is an entry in ClinVar:

ClinVar aggregate classification (germline): Likely pathogenic (1 of 4 stars; one submission).

Conditions:
Alport syndrome. Also called: Hemorrhagic familial nephritis; Hemorrhagic hereditary nephritis; Congenital hereditary hematuria. Identifiers: Orphanet 63, MedGen C1567741, MONDO:0018965.

gnomAD v4.1: 3 of 1,614,150 alleles (0.00019%); highest among the groups gnomAD compares: Non-Finnish European, 0.00025%; no homozygotes.

Submission:

Natera, Inc.
Classification: Likely pathogenic for Alport syndrome. Last evaluated: 2025-12-29. Review status: criteria provided, single submitter. Criteria: Natera Variant Classification Schema (03/2026). Collection method: clinical testing. Allele origin: germline.
Comment: The c.1562G>C variant in COL4A4 is a missense variant predicted to cause substitution of glycine to alanine at amino acid 521. This variant is rare in the general population with a frequency below the threshold expected for the associated phenotype(s). This variant is located in a functionally critical region of the protein. Computational prediction algorithms indicate this variant is likely to affect gene or protein function. Given the available evidence, this variant is classified as Likely Pathogenic.

NM_000092.5(COL4A4):c.1562G>C (p.Gly521Ala)

Gene: COL4A4 (collagen type IV alpha 4 chain; minus strand). Cytogenetic location: 2q36.3.
Variant type: single nucleotide variant.
Coding change: c.1562G>C on transcript NM_000092.5 (MANE Select); coding-DNA position 1562, G replaced by C.
Protein change: p.Gly521Ala; replaces glycine 521 with alanine.
Molecular consequence: missense variant.
Genome position (GRCh38, 1-based): chr2:227,088,714, C>G on the plus strand (G>C on the coding strand, the complement: COL4A4 is on the minus strand). VCF-style: chr2-227088714-C-G. GRCh37 (hg19) VCF-style: chr2-227953430-C-G.
Other names: short protein forms G521A.
Identifiers: ClinVar variation 4817291 (VCV004817291.1).